The following is an entry in ClinVar:

ClinVar aggregate classification (germline): Pathogenic/Likely pathogenic. Review status: criteria provided, multiple submitters, no conflicts (2 of 4 stars). 6 submissions from 6 submitters: Pathogenic (2); Likely pathogenic (4). Last evaluated 2026-09-17.

Conditions:
Developmental and epileptic encephalopathy, 42 (DEE42A). Also called: Epileptic encephalopathy, early infantile, 42; DEVELOPMENTAL AND EPILEPTIC ENCEPHALOPATHY 42A; EPILEPTIC ENCEPHALOPATHY, EARLY INFANTILE, 42A. Identifiers: MedGen C4310716, MONDO:0014917, OMIM 617106.
Episodic ataxia type 2 (EA2). Also called: ATAXIA, EPISODIC, WITH NYSTAGMUS; ATAXIA, FAMILIAL PAROXYSMAL; CEREBELLAR ATAXIA, PAROXYSMAL, ACETAZOLAMIDE-RESPONSIVE; CEREBELLOPATHY, HEREDITARY PAROXYSMAL; EPISODIC ATAXIA, NYSTAGMUS-ASSOCIATED; ACETAZOLAMIDE-RESPONSIVE HEREDITARY PAROXYSMAL CEREBELLAR ATAXIA. Identifiers: Orphanet 97, MedGen C1720416, MONDO:0007163, OMIM 108500.

Submissions (6):

GeneDx
Classification: Likely pathogenic. Last evaluated: 2026-09-17. Review status: criteria provided, single submitter. Criteria: GeneDx Variant Classification Process June 2021. Collection method: clinical testing. Allele origin: germline.
Comment: Observed in an individual with cerebellar ataxia and reported as likely pathogenic by the authors (PMID: 28444220); Not observed at significant frequency in large population cohorts (gnomAD); In silico analysis supports that this missense variant has a deleterious effect on protein structure/function; This variant is associated with the following publications: (PMID: 33349592, 31115040, 28444220)

CeGaT Center for Human Genetics Tuebingen
Classification: Likely pathogenic. Last evaluated: 2025-07-01. Review status: criteria provided, single submitter. Criteria: CeGaT Center For Human Genetics Tuebingen Variant Classification Criteria Version 2. Collection method: clinical testing. Allele origin: germline. Affected: yes. Observed: 1 variant allele.
Comment: CACNA1A: PM1, PM2, PP2, PP3, PS4:Supporting

Clinical Genomics Laboratory, Washington University in St. Louis
Classification: Likely pathogenic for Episodic ataxia type 2. Last evaluated: 2023-12-26. Review status: criteria provided, single submitter. Criteria: ACMG Guidelines, 2015. Collection method: clinical testing. Allele origin: germline. Affected: yes.
Comment: The CACNA1A c.2026G>A (p.Gly676Arg) variant, also known as c.2029G>A (p.Gly677Arg) on NM_023035.3, has been reported in an individual with episodic ataxia and also segregated with disease in a family affected with episodic ataxia and cognitive impairment (Coutelier M et al., PMID: 28444220; Humbertclaude V et al., PMID: 31115040). This variant has been reported in the ClinVar database as a germline pathogenic or likely pathogenic variant by two submitters and a variant of uncertain significance by two submitters. This variant is absent from the general population (gnomAD v.2.1.1), indicating it is not a common variant. This variant is predicted to occur in an alpha helix in the pore loop domain, changes a non-polar glycine to a positively charged arginine, and computational predictors indicate that the variant is damaging, evidence that correlates with impact to CACNA1A function. Additionally, another variant in the same codon, c.2027G>A (p.Gly676Glu), has been described in an individual affected with episodic ataxia (Choi KD et al., PMID: 29062094). Based on available information and the ACMG/AMP guidelines for variant interpretation (Richards S et al., PMID: 25741868), this variant is classified as likely pathogenic.

Labcorp Genetics (formerly Invitae), Labcorp
Classification: Pathogenic for Developmental and epileptic encephalopathy, 42; Episodic ataxia type 2. Last evaluated: 2023-09-25. Review status: criteria provided, single submitter. Criteria: Invitae Variant Classification Sherloc (09022015). Collection method: clinical testing. Allele origin: germline.
Comment: For these reasons, this variant has been classified as Pathogenic. This variant disrupts the p.Gly677 amino acid residue in CACNA1A. Other variant(s) that disrupt this residue have been observed in individuals with CACNA1A-related conditions (PMID: 29062094), which suggests that this may be a clinically significant amino acid residue. Advanced modeling of protein sequence and biophysical properties (such as structural, functional, and spatial information, amino acid conservation, physicochemical variation, residue mobility, and thermodynamic stability) performed at Invitae indicates that this missense variant is expected to disrupt CACNA1A protein function. ClinVar contains an entry for this variant (Variation ID: 1303894). This variant is also known as c.2026G>A (p.G676R). This missense change has been observed in individual(s) with cerebellar ataxia and/or episodic ataxia (PMID: 28444220, 31115040). It has also been observed to segregate with disease in related individuals. This variant is not present in population databases (gnomAD no frequency). This sequence change replaces glycine, which is neutral and non-polar, with arginine, which is basic and polar, at codon 677 of the CACNA1A protein (p.Gly677Arg).

Athena Diagnostics
Classification: Pathogenic. Last evaluated: 2021-10-08. Review status: criteria provided, single submitter. Criteria: Athena Diagnostics Criteria. Collection method: clinical testing. Allele origin: unknown.
Comment: This variant has not been reported in large, multi-ethnic general populations. Computational tools yielded predictions that this variant may result in the gain of a cryptic splice site without affecting the natural splice sites. Computational tools predict that this variant is damaging.

Genetic Services Laboratory, University of Chicago
Classification: Likely pathogenic. Last evaluated: 2020-03-11. Review status: criteria provided, single submitter. Criteria: ACMG Guidelines, 2015. Collection method: clinical testing. Allele origin: germline. Affected: yes.
Comment: DNA sequence analysis of the CACNA1A gene demonstrated a sequence change, c.2029G>A, in exon 16 that results in an amino acid change, p.Gly677Arg. The p.Gly677Arg change affects a highly conserved amino acid residue located in a pore loop region of domain II of the CACNA1A protein that is known to be functional. The p.Gly677Arg substitution appears to be deleterious using several in-silico pathogenicity prediction tools (SIFT, PolyPhen2, Align GVGD, REVEL). This change has been reported in one patient with ataxia (described as c.2026G>A:p.Gly676Arg in the article) (PMID: 28444220). Additionally, a different sequence change affecting the same amino acid residue (p.Gly677Glu) has been described in a patient with episodic ataxia, vertigo, dysarthria and diplopia (PMID: 29062094). This sequence change is absent from the population databases (ExAC and gnomAD). These collective evidences indicate that this sequence change is likely pathogenic, however functional studies have not been performed to prove this conclusively.

Literature cited by the submitters: PubMed 29062094 (cited by Labcorp Genetics (formerly Invitae), Labcorp); PubMed 28444220 (cited by Labcorp Genetics (formerly Invitae), Labcorp and Athena Diagnostics); PubMed 31115040 (cited by Labcorp Genetics (formerly Invitae), Labcorp and Athena Diagnostics); PubMed 33349592 (cited by Athena Diagnostics).

NM_001127222.2(CACNA1A):c.2026G>A (p.Gly676Arg)

Gene: CACNA1A (calcium voltage-gated channel subunit alpha1 A; minus strand). Cytogenetic location: 19p13.13.
Variant type: single nucleotide variant.
Coding change: c.2026G>A on transcript NM_001127222.2 (MANE Select); coding-DNA position 2026, G replaced by A.
Protein change: p.Gly676Arg; replaces glycine 676 with arginine.
Molecular consequence: missense variant.
Genome position (GRCh38, 1-based): chr19:13,303,845, C>T on the plus strand (G>A on the coding strand, the complement: CACNA1A is on the minus strand). VCF-style: chr19-13303845-C-T. GRCh37 (hg19) VCF-style: chr19-13414659-C-T.
Other names: c.2029G>A, p.Gly677Arg (NM_000068.4, NM_001127221.2, NM_001174080.2 and 1 more transcripts); short protein forms G676R, G677R.
Identifiers: ClinVar variation 1303894 (VCV001303894.24), dbSNP rs2144980758, ClinGen allele CA404344424.